The following is an entry in ClinVar:

NM_138694.4(PKHD1):c.1830T>A (p.Tyr610Ter)

Gene: PKHD1 (PKHD1 ciliary IPT domain containing fibrocystin/polyductin; minus strand). Cytogenetic location: 6p12.2.
Variant type: single nucleotide variant.
Coding change: c.1830T>A on transcript NM_138694.4 (MANE Select); coding-DNA position 1830, T replaced by A.
Protein change: p.Tyr610Ter; replaces tyrosine 610 with a stop codon.
Molecular consequence: nonsense.
Genome position (GRCh38, 1-based): chr6:52,055,593, A>T on the plus strand (T>A on the coding strand, the complement: PKHD1 is on the minus strand). VCF-style: chr6-52055593-A-T. GRCh37 (hg19) VCF-style: chr6-51920391-A-T.
Other names: c.1830T>A (NM_170724.2); c.1830T>A, p.Tyr610Ter (NM_170724.3); short protein forms Y610*.
Identifiers: ClinVar variation 189100 (VCV000189100.31), dbSNP rs749293235, ClinGen allele CA274378.

ClinVar aggregate classification (germline): Pathogenic/Likely pathogenic. Review status: criteria provided, multiple submitters, no conflicts (2 of 4 stars). 10 submissions from 10 submitters: Pathogenic (7); Likely pathogenic (1). 2 of the submissions do not count toward it. Last evaluated 2025-11-04.

Conditions:
PKHD1-related disorder. Also called: PKHD1-related condition.
Polycystic kidney disease 4 (PKD4). Also called: POLYCYSTIC KIDNEY DISEASE 4 WITH OR WITHOUT POLYCYSTIC LIVER DISEASE; PKD3; Autosomal Recessive Polycystic Kidney Disease – PKHD1; POLYCYSTIC KIDNEY AND HEPATIC DISEASE 1; POLYCYSTIC KIDNEY DISEASE, INFANTILE, TYPE I. Identifiers: MedGen C4540575, MONDO:0033004, OMIM 263200.
Autosomal recessive polycystic kidney disease (ARPKD). Also called: AR polycystic kidney disease. Identifiers: Orphanet 731, Orphanet 8378, MedGen C0085548, MeSH D017044, MONDO:0009889.

Allele frequency attached by ClinVar (database versions not stated): ExAC 0.00001.
gnomAD v4.1: 66 of 1,614,028 alleles (0.0041%); highest among the groups gnomAD compares: Non-Finnish European, 0.0056%; no homozygotes.

Submissions (10):

Natera, Inc.
Classification: Pathogenic for Autosomal recessive polycystic kidney disease. Last evaluated: 2025-11-04. Review status: criteria provided, single submitter. Criteria: Natera Variant Classification Schema (03/2026). Collection method: clinical testing. Allele origin: germline.
Comment: The c.1830T>A variant in PKHD1 is a nonsense variant predicted to introduce a stop codon at amino acid 610. This variant is expected to result in nonsense mediated decay, truncation, or a dysfunctional protein product. This variant is rare in the general population with a frequency below the threshold expected for the associated phenotype(s). This variant has been observed in one or more individuals affected with the associated recessive disease, as either homozygous or compound heterozygous with a second variant (PMID: 19940839). Given the available evidence, this variant is classified as Pathogenic.

Fulgent Genetics
Classification: Pathogenic for Polycystic kidney disease 4. Last evaluated: 2024-03-20. Review status: criteria provided, single submitter. Criteria: ACMG Guidelines, 2015. Collection method: clinical testing. Allele origin: germline.

Labcorp Genetics (formerly Invitae), Labcorp
Classification: Pathogenic for Autosomal recessive polycystic kidney disease. Last evaluated: 2023-11-29. Review status: criteria provided, single submitter. Criteria: Invitae Variant Classification Sherloc (09022015). Collection method: clinical testing. Allele origin: germline.
Comment: This sequence change creates a premature translational stop signal (p.Tyr610*) in the PKHD1 gene. It is expected to result in an absent or disrupted protein product. Loss-of-function variants in PKHD1 are known to be pathogenic (PMID: 19940839). This variant is present in population databases (rs749293235, gnomAD 0.003%). This premature translational stop signal has been observed in individual(s) with PKHD1-related conditions (PMID: 19940839, 30650191). ClinVar contains an entry for this variant (Variation ID: 189100). For these reasons, this variant has been classified as Pathogenic.

3billion
Classification: Pathogenic for Polycystic kidney disease 4. Last evaluated: 2023-02-23. Review status: criteria provided, single submitter. Criteria: ACMG Guidelines, 2015. Collection method: clinical testing. Allele origin: unknown. Affected: yes.
Comment: The variant is observed at an extremely low frequency in the gnomAD v2.1.1 dataset (total allele frequency: 0.001%). This variant was predicted to result in a loss or disruption of normal protein function through nonsense-mediated decay (NMD) or protein truncation. Multiple pathogenic variants are reported downstream of the variant. The variant has been reported at least twice as pathogenic with clinical assertions and evidence for the classification (ClinVar ID: VCV000189100 / PMID: 19940839). Therefore, this variant is classified as Pathogenic according to the recommendation of ACMG/AMP guideline.

Women's Health and Genetics/Laboratory Corporation of America, LabCorp
Classification: Likely pathogenic for Autosomal recessive polycystic kidney disease. Last evaluated: 2023-01-16. Review status: criteria provided, single submitter. Criteria: LabCorp Variant Classification Summary - May 2015. Collection method: clinical testing. Allele origin: germline.
Comment: Variant summary: PKHD1 c.1830T>A (p.Tyr610X) results in a premature termination codon, predicted to cause a truncation of the encoded protein or absence of the protein due to nonsense mediated decay, which are commonly known mechanisms for disease. Truncations downstream of this position have been classified as pathogenic by our laboratory. The variant allele was found at a frequency of 1.2e-05 in 251032 control chromosomes (gnomAD). c.1830T>A has been reported in the literature in individuals affected with Polycystic Kidney and Hepatic Disease (examples: Denamur_2010, Shuster_2019). These data indicate that the variant may be associated with disease. To our knowledge, no experimental evidence demonstrating an impact on protein function has been reported. Two clinical diagnostic laboratories have submitted clinical-significance assessments for this variant to ClinVar after 2014 and classified the variant as pathogenic. Based on the evidence outlined above, the variant was classified as likely pathogenic.

Blueprint Genetics
Classification: Pathogenic for PKHD1-related disorders. Last evaluated: 2022-02-24. Review status: criteria provided, single submitter. Criteria: ACMG Guidelines, 2015. Collection method: clinical testing. Allele origin: germline. Affected: yes. Observed: 2 variant alleles.

Laboratory for Molecular Medicine, Mass General Brigham Personalized Medicine
Classification: Pathogenic for Autosomal recessive polycystic kidney disease. Last evaluated: 2020-06-05. Review status: criteria provided, single submitter. Criteria: LMM Criteria. Collection method: clinical testing. Allele origin: germline. Inheritance: Autosomal recessive inheritance. Observed: 1 variant allele.
Comment: The p.Tyr610X variant in PKHD1 has been reported in the compound heterozygous state in at least one individual with polycystic kidney disease (Denamur 2010 PMID:19940839). It has also been identified in 0.003% (3/113450) of European chromosomes by gnomAD and has been reported in ClinVar (Variation ID 189100). This nonsense variant leads to a premature termination codon at position 610, which is predicted to lead to a truncated or absent protein. Loss of function of the PKHD1 gene is an established disease mechanism in autosomal recessive polycystic kidney disease (PKD). In summary, this variant meets criteria to be classified as pathogenic for autosomal recessive PKD. ACMG/AMP Criteria applied: PVS1, PM3, PM2.

Baylor Genetics
Classification: Pathogenic for Polycystic kidney disease 4. Review status: criteria provided, single submitter. Criteria: ACMG Guidelines, 2015. Collection method: clinical testing. Allele origin: germline.

PreventionGenetics, part of Exact Sciences
Classification: Pathogenic for PKHD1-related condition. Last evaluated: 2024-05-06. Review status: no assertion criteria provided. Collection method: clinical testing. Allele origin: germline. Not counted in ClinVar's aggregate classification.
Comment: The PKHD1 c.1830T>A variant is predicted to result in premature protein termination (p.Tyr610*). This variant has been reported to be pathogenic for autosomal recessive polycystic kidney disease (Denamur et al. 2010. PubMed ID: 19940839. Table S2). This variant is reported in 0.0026% of alleles in individuals of European (Non-Finnish) descent in gnomAD. Nonsense variants in PKHD1 are expected to be pathogenic. This variant is interpreted as pathogenic.

Counsyl
Classification: Likely pathogenic for Polycystic kidney disease, infantile type. Last evaluated: 2014-12-22. Review status: no assertion criteria provided. Collection method: literature only. Allele origin: unknown. Inheritance: Autosomal recessive inheritance. Not counted in ClinVar's aggregate classification.

Literature cited by the submitters: PubMed 19940839 (cited by 6 submitters); PubMed 30650191 (cited by 3 submitters).